The following is an entry in ClinVar:

NM_001004356.3(FGFRL1):c.433+7A>T

Gene: FGFRL1 (fibroblast growth factor receptor like 1; plus strand). Cytogenetic location: 4p16.3.
Variant type: single nucleotide variant.
Coding change: c.433+7A>T on transcript NM_001004356.3 (MANE Select); 7 bases into the intron after coding-DNA position 433, A replaced by T.
Molecular consequence: intron variant.
Genome position (GRCh38, 1-based): chr4:1,023,728, A>T. VCF-style: chr4-1023728-A-T. GRCh37 (hg19) VCF-style: chr4-1017516-A-T.
Other names: c.433+7A>T (NM_001004358.1, NM_001370296.1, NM_021923.3).
Identifiers: ClinVar variation 746827 (VCV000746827.6), dbSNP rs1560564293, ClinGen allele CA915942985.

ClinVar aggregate classification (germline): Likely benign. Review status: criteria provided, single submitter (1 of 4 stars). 2 submissions from 2 submitters: Likely benign (1). 1 of the submissions does not count toward it. Last evaluated 2019-12-31.

Conditions:
FGFRL1-related disorder. Also called: FGFRL1-related condition.

Submissions (2):

Labcorp Genetics (formerly Invitae), Labcorp
Classification: Likely benign. Last evaluated: 2019-12-31. Review status: criteria provided, single submitter. Criteria: Invitae Variant Classification Sherloc (09022015). Collection method: clinical testing. Allele origin: germline.

PreventionGenetics, part of Exact Sciences
Classification: Likely benign for FGFRL1-related condition. Last evaluated: 2019-07-19. Review status: no assertion criteria provided. Collection method: clinical testing. Allele origin: germline. Not counted in ClinVar's aggregate classification.
Comment: This variant is classified as likely benign based on ACMG/AMP sequence variant interpretation guidelines (Richards et al. 2015 PMID: 25741868, with internal and published modifications).